The following is an entry in ClinVar:

NM_138694.4(PKHD1):c.1600C>A (p.Leu534Met)

Gene: PKHD1 (PKHD1 ciliary IPT domain containing fibrocystin/polyductin; minus strand). Cytogenetic location: 6p12.2.
Variant type: single nucleotide variant.
Coding change: c.1600C>A on transcript NM_138694.4 (MANE Select); coding-DNA position 1600, C replaced by A.
Protein change: p.Leu534Met; replaces leucine 534 with methionine.
Molecular consequence: missense variant.
Genome position (GRCh38, 1-based): chr6:52,056,892, G>T on the plus strand (C>A on the coding strand, the complement: PKHD1 is on the minus strand). VCF-style: chr6-52056892-G-T. GRCh37 (hg19) VCF-style: chr6-51921690-G-T.
Other names: c.1600C>A, p.Leu534Met (NM_170724.3); short protein forms L534M.
Identifiers: ClinVar variation 2001571 (VCV002001571.2), dbSNP rs1391348409, ClinGen allele CA364425059.

ClinVar aggregate classification (germline): Uncertain significance (1 of 4 stars; one submission).

Conditions:
Autosomal recessive polycystic kidney disease (ARPKD). Also called: AR polycystic kidney disease. Identifiers: Orphanet 731, Orphanet 8378, MedGen C0085548, MeSH D017044, MONDO:0009889.

Submission:

Labcorp Genetics (formerly Invitae), Labcorp
Classification: Uncertain significance for Autosomal recessive polycystic kidney disease. Last evaluated: 2025-11-03. Review status: criteria provided, single submitter. Criteria: Invitae Variant Classification Sherloc (09022015). Collection method: clinical testing. Allele origin: germline.
Comment: This sequence change replaces leucine, which is neutral and non-polar, with methionine, which is neutral and non-polar, at codon 534 of the PKHD1 protein (p.Leu534Met). This variant is not present in population databases (gnomAD no frequency). This variant has not been reported in the literature in individuals affected with PKHD1-related conditions. ClinVar contains an entry for this variant (Variation ID: 2001571). An algorithm developed to predict the effect of missense changes on protein structure and function (PolyPhen-2) suggests that this variant is likely to be tolerated. In summary, the available evidence is currently insufficient to determine the role of this variant in disease. Therefore, it has been classified as a Variant of Uncertain Significance.